The following is an entry in ClinVar:

ClinVar aggregate classification (germline): Uncertain significance (1 of 4 stars; one submission).

Conditions:
Baller-Gerold syndrome (BGS). Also called: CRANIOSYNOSTOSIS WITH RADIAL DEFECTS. Identifiers: Orphanet 1225, MedGen C0265308, MONDO:0009039, OMIM 218600.

Allele frequency attached by ClinVar (database versions not stated): gnomAD exomes below 0.00001.
gnomAD v4.1: 1 of 1,604,890 alleles (0.000062%); highest among the groups gnomAD compares: East Asian, 0.0022%; no homozygotes.

Submission:

Labcorp Genetics (formerly Invitae), Labcorp
Classification: Uncertain significance for Baller-Gerold syndrome. Last evaluated: 2020-08-25. Review status: criteria provided, single submitter. Criteria: Invitae Variant Classification Sherloc (09022015). Collection method: clinical testing. Allele origin: germline.
Comment: In summary, the available evidence is currently insufficient to determine the role of this variant in disease. Therefore, it has been classified as a Variant of Uncertain Significance. Experimental studies and prediction algorithms are not available or were not evaluated, and the functional significance of this variant is currently unknown. This variant has not been reported in the literature in individuals with RECQL4-related conditions. This variant is not present in population databases (ExAC no frequency). This sequence change replaces aspartic acid with glycine at codon 779 of the RECQL4 protein (p.Asp779Gly). The aspartic acid residue is highly conserved and there is a moderate physicochemical difference between aspartic acid and glycine.

NM_004260.4(RECQL4):c.2336A>G (p.Asp779Gly)

Gene: RECQL4 (RecQ like helicase 4; minus strand). Cytogenetic location: 8q24.3.
Variant type: single nucleotide variant.
Coding change: c.2336A>G on transcript NM_004260.4 (MANE Select); coding-DNA position 2336, A replaced by G.
Protein change: p.Asp779Gly; replaces aspartic acid 779 with glycine.
Molecular consequence: missense variant.
Genome position (GRCh38, 1-based): chr8:144,513,345, T>C on the plus strand (A>G on the coding strand, the complement: RECQL4 is on the minus strand). VCF-style: chr8-144513345-T-C. GRCh37 (hg19) VCF-style: chr8-145738728-T-C.
Other names: short protein forms D779G.
Identifiers: ClinVar variation 1057694 (VCV001057694.3), dbSNP rs2130678409, ClinGen allele CA372678325.